The following is an entry in ClinVar:

ClinVar aggregate classification (germline): Uncertain significance. Review status: criteria provided, multiple submitters, no conflicts (2 of 4 stars). 2 submissions from 2 submitters: Uncertain significance (2). Last evaluated 2023-12-29.

gnomAD v4.1: 8 of 1,612,134 alleles (0.0005%); highest among the groups gnomAD compares: Non-Finnish European, 0.00068%; no homozygotes.

Submissions (2):

Mayo Clinic Laboratories, Mayo Clinic
Classification: Uncertain significance. Last evaluated: 2023-12-29. Review status: criteria provided, single submitter. Criteria: ACMG Guidelines, 2015. Collection method: clinical testing. Allele origin: germline. Observed: 1 variant allele.
Comment: BP4

Blueprint Genetics
Classification: Uncertain significance. Last evaluated: 2022-01-18. Review status: criteria provided, single submitter. Criteria: ACMG Guidelines, 2015. Collection method: clinical testing. Allele origin: germline.

NM_014855.3(AP5Z1):c.850G>T (p.Gly284Cys)

Gene: AP5Z1 (adaptor related protein complex 5 subunit zeta 1; plus strand). Cytogenetic location: 7p22.1.
Variant type: single nucleotide variant.
Coding change: c.850G>T on transcript NM_014855.3 (MANE Select); coding-DNA position 850, G replaced by T.
Protein change: p.Gly284Cys; replaces glycine 284 with cysteine.
Molecular consequence: missense variant. On other transcripts: non-coding transcript variant (1).
Genome position (GRCh38, 1-based): chr7:4,784,967, G>T. VCF-style: chr7-4784967-G-T. GRCh37 (hg19) VCF-style: chr7-4824598-G-T.
Other names: p.Gly284Cys; c.382G>T, p.Gly128Cys (NM_001364858.1); short protein forms G128C, G284C.
Identifiers: ClinVar variation 3379736 (VCV003379736.2).